The following is an entry in ClinVar:

NM_001034853.2(RPGR):c.2419G>T (p.Glu807Ter)

Gene: RPGR (retinitis pigmentosa GTPase regulator; minus strand). Cytogenetic location: Xp11.4.
Variant type: single nucleotide variant.
Coding change: c.2419G>T on transcript NM_001034853.2 (MANE Select); coding-DNA position 2419, G replaced by T.
Protein change: p.Glu807Ter; replaces glutamic acid 807 with a stop codon.
Molecular consequence: nonsense. On other transcripts: intron variant (8).
Genome position (GRCh38, 1-based): chrX:38,286,580, C>A on the plus strand (G>T on the coding strand, the complement: RPGR is on the minus strand). VCF-style: chrX-38286580-C-A. GRCh37 (hg19) VCF-style: chrX-38145833-C-A.
Other names: c.1569+4379G>T (NM_001367249.1, NM_001367250.1); c.1902+514G>T (NM_001367245.1); c.1386+4379G>T (NM_001367251.1); c.1719+514G>T (NM_001367246.1); c.1572+4379G>T (NM_001367247.1); c.1905+514G>T (NM_000328.3); c.1602+4379G>T (NM_001367248.1); short protein forms E807*.
Identifiers: ClinVar variation 867160 (VCV000867160.7), dbSNP rs2067182354, ClinGen allele CA412730684.

ClinVar aggregate classification (germline): Pathogenic/Likely pathogenic. Review status: criteria provided, multiple submitters, no conflicts (2 of 4 stars). 3 submissions from 2 submitters: Pathogenic (1); Likely pathogenic (1). 1 of the submissions does not count toward it. Last evaluated 2022-09-13.

Conditions:
Retinitis pigmentosa 3. Also called: CHOROIDORETINAL DEGENERATION WITH RETINAL REFLEX IN HETEROZYGOUS WOMEN. Identifiers: Orphanet 791, MedGen C1845667, MONDO:0010227, OMIM 300029.
Retinal dystrophy. Also called: Inherited retinal dystrophy. Identifiers: Orphanet 71862, MedGen C0854723, MeSH D058499, MONDO:0019118, HP:0000556.
Primary ciliary dyskinesia. Also called: Ciliary dyskinesia. Identifiers: Orphanet 244, MedGen C0008780, MONDO:0016575, HP:0012265.

Submissions (3):

Labcorp Genetics (formerly Invitae), Labcorp
Classification: Pathogenic for Primary ciliary dyskinesia. Last evaluated: 2022-09-13. Review status: criteria provided, single submitter. Criteria: Invitae Variant Classification Sherloc (09022015). Collection method: clinical testing. Allele origin: germline.
Comment: For these reasons, this variant has been classified as Pathogenic. This variant disrupts a region of the RPGR (ORF15) protein in which other variant(s) (p.Leu1130Lysfs*13) have been determined to be pathogenic (PMID: 22264887; Invitae). This suggests that this is a clinically significant region of the protein, and that variants that disrupt it are likely to be disease-causing. ClinVar contains an entry for this variant (Variation ID: 867160). This variant has not been reported in the literature in individuals affected with RPGR (ORF15)-related conditions. This variant is not present in population databases (gnomAD no frequency). This sequence change creates a premature translational stop signal (p.Glu807*) in the RPGR (ORF15) gene. While this is not anticipated to result in nonsense mediated decay, it is expected to disrupt the last 346 amino acid(s) of the RPGR (ORF15) protein.

Blueprint Genetics
Classification: Likely pathogenic for Retinal dystrophy. Last evaluated: 2019-05-20. Review status: criteria provided, single submitter. Criteria: Blueprint Genetics Variant Classification Scheme. Collection method: clinical testing. Allele origin: germline. Affected: yes.

Blueprint Genetics
Classification: Likely pathogenic for Retinitis pigmentosa 3. Review status: no assertion criteria provided. Collection method: clinical testing. Allele origin: germline. Affected: yes. Not counted in ClinVar's aggregate classification.

Literature cited by the submitters: PubMed 22264887 (cited by Labcorp Genetics (formerly Invitae), Labcorp).